The following is an entry in ClinVar:

ClinVar aggregate classification (germline): Uncertain significance (1 of 4 stars; one submission).

Submission:

Labcorp Genetics (formerly Invitae), Labcorp
Classification: Uncertain significance. Last evaluated: 2026-01-11. Review status: criteria provided, single submitter. Criteria: Invitae Variant Classification Sherloc (09022015). Collection method: clinical testing. Allele origin: germline.
Comment: This sequence change affects an acceptor splice site in intron 10 of the POLH gene. While this variant is not anticipated to result in nonsense mediated decay, it likely alters RNA splicing and results in a disrupted protein product. This variant is not present in population databases (gnomAD no frequency). This variant has not been reported in the literature in individuals affected with POLH-related conditions. Variants that disrupt the consensus splice site are a relatively common cause of aberrant splicing (PMID: 17576681, 9536098). Algorithms developed to predict the effect of sequence changes on RNA splicing suggest that this variant may disrupt the consensus splice site. In summary, the available evidence is currently insufficient to determine the role of this variant in disease. Therefore, it has been classified as a Variant of Uncertain Significance.

Literature cited by the submitters: PubMed 17576681; PubMed 9536098.

NM_006502.3(POLH):c.1245-2A>G

Gene: POLH (DNA polymerase eta; plus strand). Cytogenetic location: 6p21.1.
Variant type: single nucleotide variant.
Coding change: c.1245-2A>G on transcript NM_006502.3 (MANE Select); the canonical splice acceptor site of the intron before coding-DNA position 1245, A replaced by G.
Molecular consequence: splice acceptor variant. On other transcripts: intron variant (1).
Genome position (GRCh38, 1-based): chr6:43,613,658, A>G. VCF-style: chr6-43613658-A-G. GRCh37 (hg19) VCF-style: chr6-43581395-A-G.
Other names: c.1245-73A>G (NM_001291970.2); c.873-2A>G (NM_001291969.2).
Identifiers: ClinVar variation 4764928 (VCV004764928.1).